The following is an entry in ClinVar:

ClinVar aggregate classification (germline): Uncertain significance (1 of 4 stars; one submission).

Conditions:
Familial acute necrotizing encephalopathy (IIAE3). Also called: ENCEPHALOPATHY, ACUTE, INFECTION-INDUCED, SUSCEPTIBILITY TO, 3; Susceptibility to Acute Necrotizing Encephalopathy 1. Identifiers: Orphanet 88619, MedGen C2675556, MONDO:0011953, OMIM 608033.

Submission:

Labcorp Genetics (formerly Invitae), Labcorp
Classification: Uncertain significance for Familial acute necrotizing encephalopathy. Last evaluated: 2024-02-06. Review status: criteria provided, single submitter. Criteria: Invitae Variant Classification Sherloc (09022015). Collection method: clinical testing. Allele origin: germline.
Comment: This sequence change falls in intron 11 of the RANBP2 gene. It does not directly change the encoded amino acid sequence of the RANBP2 protein. This variant is not present in population databases (gnomAD no frequency). This variant has not been reported in the literature in individuals affected with RANBP2-related conditions. Algorithms developed to predict the effect of sequence changes on RNA splicing suggest that this variant may disrupt the consensus splice site. In summary, the available evidence is currently insufficient to determine the role of this variant in disease. Therefore, it has been classified as a Variant of Uncertain Significance.

NM_006267.5(RANBP2):c.1632-11C>G

Gene: RANBP2 (RAN binding protein 2; plus strand). Cytogenetic location: 2q13.
Variant type: single nucleotide variant.
Coding change: c.1632-11C>G on transcript NM_006267.5 (MANE Select); 11 bases into the intron before coding-DNA position 1632, C replaced by G.
Molecular consequence: intron variant.
Genome position (GRCh38, 1-based): chr2:108,751,860, C>G. VCF-style: chr2-108751860-C-G. GRCh37 (hg19) VCF-style: chr2-109368316-C-G.
Other names: c.1632-11C>G (NM_001415871.1, NM_001415873.1); c.1629-11C>G (NM_001415872.1).
Identifiers: ClinVar variation 3639250 (VCV003639250.2).
Genomic context (GRCh38, chr2:108,751,860, plus strand): 5'-TAACATATATGTATGTAAGCCCTGAACTGTGTATTTAGAAAGCAATTTTAGTAAATTGAA[C>G]TATTTTTTAGACCTGGAAACGTAGCAAAATTGAGACTTCTAGTTCAGCATGAAATAAACA-3'